The following is an entry in ClinVar:

ClinVar aggregate classification (germline): Benign/Likely benign. Review status: criteria provided, multiple submitters, no conflicts (2 of 4 stars). 3 submissions from 3 submitters: Benign (1); Likely benign (2). Last evaluated 2025-07-01.

Conditions:
Multiple endocrine neoplasia, type 1 (MEN1). Also called: WERMER SYNDROME; Endocrine adenomatosis multiple; MEN 1; MEN I; MEA I. Identifiers: Orphanet 652, MedGen C0025267, MeSH D018761, MONDO:0007540, OMIM 131100.
Hereditary cancer-predisposing syndrome. Also called: Hereditary Cancer Syndrome; Tumor predisposition; Neoplastic Syndromes, Hereditary; Hereditary neoplastic syndrome. Identifiers: Orphanet 140162, MedGen C0027672, MeSH D009386, MONDO:0015356.

Submissions (3):

Labcorp Genetics (formerly Invitae), Labcorp
Classification: Likely benign for Multiple endocrine neoplasia, type 1. Last evaluated: 2025-07-01. Review status: criteria provided, single submitter. Criteria: Invitae Variant Classification Sherloc (09022015). Collection method: clinical testing. Allele origin: germline.

Myriad Genetics, Inc.
Classification: Benign for Multiple endocrine neoplasia, type 1. Last evaluated: 2024-11-05. Review status: criteria provided, single submitter. Criteria: Myriad Autosomal Dominant, Autosomal Recessive and X-Linked Classification Criteria (2023). Collection method: clinical testing. Allele origin: unknown.
Comment: This variant is considered benign. This variant is a silent/synonymous amino acid change and it is not expected to impact splicing.

Ambry Genetics
Classification: Likely benign for Hereditary cancer-predisposing syndrome. Last evaluated: 2024-03-10. Review status: criteria provided, single submitter. Criteria: Ambry Variant Classification Scheme 2023. Collection method: clinical testing. Allele origin: germline.

NM_001370259.2(MEN1):c.1749G>A (p.Ser583=)

Gene: MEN1 (menin 1; minus strand). Cytogenetic location: 11q13.1.
Variant type: single nucleotide variant.
Coding change: c.1749G>A on transcript NM_001370259.2 (MANE Select); coding-DNA position 1749, G replaced by A.
Protein change: p.Ser583=; no amino-acid change (serine 583 retained).
Molecular consequence: synonymous variant. On other transcripts: non-coding transcript variant (4).
Genome position (GRCh38, 1-based): chr11:64,804,418, C>T on the plus strand (G>A on the coding strand, the complement: MEN1 is on the minus strand). VCF-style: chr11-64804418-C-T. GRCh37 (hg19) VCF-style: chr11-64571890-C-T.
Other names: c.1764G>A, p.Ser588= (NM_000244.4, NM_001407145.1, NM_130800.3 and 4 more transcripts); c.1875G>A, p.Ser625= (NM_001370251.2, NM_001407142.1, NM_001407143.1 and 1 more transcripts); c.1749G>A, p.Ser583= (NM_001370260.2, NM_001370261.2, NM_001407146.1 and 2 more transcripts); c.1644G>A, p.Ser548= (NM_001370262.2, NM_001370263.2, NM_001407148.1 and 1 more transcripts); c.1890G>A, p.Ser630= (NM_001407150.1); c.1770G>A, p.Ser590= (NM_001407151.1); c.1584G>A, p.Ser528= (NM_001407152.1).
Identifiers: ClinVar variation 3229082 (VCV003229082.3), dbSNP rs765105348, ClinGen allele CA475163110.